The following is an entry in ClinVar:

NM_181882.3(PRX):c.1959C>A (p.His653Gln)

Gene: PRX (periaxin; minus strand). Cytogenetic location: 19q13.2.
Variant type: single nucleotide variant.
Coding change: c.1959C>A on transcript NM_181882.3 (MANE Select); coding-DNA position 1959, C replaced by A.
Protein change: p.His653Gln; replaces histidine 653 with glutamine.
Molecular consequence: missense variant. On other transcripts: 3 prime UTR variant (1).
Genome position (GRCh38, 1-based): chr19:40,396,393, G>T on the plus strand (C>A on the coding strand, the complement: PRX is on the minus strand). VCF-style: chr19-40396393-G-T. GRCh37 (hg19) VCF-style: chr19-40902300-G-T.
Other names: c.*2164C>A (NM_020956.2); short protein forms H653Q.
Identifiers: ClinVar variation 1513659 (VCV001513659.8), dbSNP rs760652185, ClinGen allele CA405897303.

ClinVar aggregate classification (germline): Uncertain significance (1 of 4 stars; one submission).

Conditions:
Charcot-Marie-Tooth disease type 4. Also called: Charcot-Marie-Tooth, Type 4; Charcot-Marie-Tooth disease, type IV. Identifiers: Orphanet 64749, MedGen C4082197, MONDO:0018995.

Allele frequency attached by ClinVar (database versions not stated): gnomAD exomes below 0.00001.
gnomAD v4.1: 4 of 1,613,102 alleles (0.00025%); highest among the groups gnomAD compares: Non-Finnish European, 0.00034%; no homozygotes.

Submission:

Labcorp Genetics (formerly Invitae), Labcorp
Classification: Uncertain significance for Charcot-Marie-Tooth disease type 4. Last evaluated: 2021-04-13. Review status: criteria provided, single submitter. Criteria: Invitae Variant Classification Sherloc (09022015). Collection method: clinical testing. Allele origin: germline.
Comment: In summary, the available evidence is currently insufficient to determine the role of this variant in disease. Therefore, it has been classified as a Variant of Uncertain Significance. Algorithms developed to predict the effect of missense changes on protein structure and function output the following: SIFT: "Tolerated"; PolyPhen-2: "Benign"; Align-GVGD: "Class C0". The glutamine amino acid residue is found in multiple mammalian species, suggesting that this missense change does not adversely affect protein function. These predictions have not been confirmed by published functional studies and their clinical significance is uncertain. This variant has not been reported in the literature in individuals with PRX-related conditions. This variant is not present in population databases (ExAC no frequency). This sequence change replaces histidine with glutamine at codon 653 of the PRX protein (p.His653Gln). The histidine residue is weakly conserved and there is a small physicochemical difference between histidine and glutamine.